The following is an entry in ClinVar:

NM_001754.5(RUNX1):c.379G>C (p.Gly127Arg)

Genes: RUNX1 (RUNX family transcription factor 1; minus strand), RUNX1-AS1 (RUNX1 antisense RNA 1; plus strand). Cytogenetic location: 21q22.12.
Variant type: single nucleotide variant.
Coding change: c.379G>C on transcript NM_001754.5 (MANE Select); coding-DNA position 379, G replaced by C.
Protein change: p.Gly127Arg; replaces glycine 127 with arginine.
Molecular consequence: missense variant.
Genome position (GRCh38, 1-based): chr21:34,880,686, C>G on the plus strand (G>C on the coding strand, the complement: RUNX1 is on the minus strand). VCF-style: chr21-34880686-C-G. GRCh37 (hg19) VCF-style: chr21-36252983-C-G.
Other names: c.298G>C, p.Gly100Arg (NM_001001890.3, NM_001122607.2); short protein forms G127R, G100R.
Identifiers: ClinVar variation 3948849 (VCV003948849.1).
Genomic context (GRCh38, chr21:34,880,686, plus strand): 5'-CATTTCTCAGCTCAGCCGAGTAGTTTTCATCATTGCCAGCCATCACAGTGACCAGAGTGC[C>G]ATCTGGAACATCCCCTAGGGCCACCACCTAAACACCAGTCAAAGGACAAATGCAGACATC-3'
Protein context (NP_001745.2, residues 117-137): KVVALGDVPD[Gly127Arg]TLVTVMAGND

ClinVar aggregate classification (germline): Uncertain significance (1 of 4 stars; one submission).

Conditions:
Inborn genetic diseases. Identifiers: MedGen C0950123, MeSH D030342.

Submission:

Ambry Genetics
Classification: Uncertain significance for Inborn genetic diseases. Last evaluated: 2025-03-30. Review status: criteria provided, single submitter. Criteria: Ambry Variant Classification Scheme 2023. Collection method: clinical testing. Allele origin: germline.
Comment: The p.G127R variant (also known as c.379G>C), located in coding exon 4 of the RUNX1 gene, results from a G to C substitution at nucleotide position 379. The glycine at codon 127 is replaced by arginine, an amino acid with dissimilar properties. This amino acid position is conserved. In addition, this alteration is predicted to be deleterious by in silico analysis. Based on the available evidence, the clinical significance of this variant remains unclear.